The following is an entry in ClinVar:

NM_003280.3(TNNC1):c.215T>C (p.Val72Ala)

Gene: TNNC1 (troponin C1, slow skeletal and cardiac type; minus strand). Cytogenetic location: 3p21.1.
Variant type: single nucleotide variant.
Coding change: c.215T>C on transcript NM_003280.3 (MANE Select); coding-DNA position 215, T replaced by C.
Protein change: p.Val72Ala; replaces valine 72 with alanine.
Molecular consequence: missense variant.
Genome position (GRCh38, 1-based): chr3:52,451,846, A>G on the plus strand (T>C on the coding strand, the complement: TNNC1 is on the minus strand). VCF-style: chr3-52451846-A-G. GRCh37 (hg19) VCF-style: chr3-52485862-A-G.
Other names: short protein forms V72A.
Identifiers: ClinVar variation 2006012 (VCV002006012.4), dbSNP rs2471444258, ClinGen allele CA353167584.

ClinVar aggregate classification (germline): Uncertain significance (1 of 4 stars; one submission).

Conditions:
Dilated cardiomyopathy 1Z (CMD1Z). Identifiers: Orphanet 154, MedGen C2678475, MONDO:0012745, OMIM 611879.
Hypertrophic cardiomyopathy 13. Also called: TNNC1-Related Familial Hypertrophic Cardiomyopathy. Identifiers: MedGen C2750472, MONDO:0013195, OMIM 613243.

Submission:

Labcorp Genetics (formerly Invitae), Labcorp
Classification: Uncertain significance for Hypertrophic cardiomyopathy 13; Dilated cardiomyopathy 1Z. Last evaluated: 2022-06-13. Review status: criteria provided, single submitter. Criteria: Invitae Variant Classification Sherloc (09022015). Collection method: clinical testing. Allele origin: germline.
Comment: This sequence change replaces valine, which is neutral and non-polar, with alanine, which is neutral and non-polar, at codon 72 of the TNNC1 protein (p.Val72Ala). This variant is not present in population databases (gnomAD no frequency). This variant has not been reported in the literature in individuals affected with TNNC1-related conditions. Algorithms developed to predict the effect of missense changes on protein structure and function (SIFT, PolyPhen-2, Align-GVGD) all suggest that this variant is likely to be disruptive. In summary, the available evidence is currently insufficient to determine the role of this variant in disease. Therefore, it has been classified as a Variant of Uncertain Significance.